The following is an entry in ClinVar:

ClinVar aggregate classification (germline): Pathogenic (1 of 4 stars; one submission).

Conditions:
Woodhouse-Sakati syndrome. Also called: Hypogonadism, Alopecia, Diabetes Mellitus, Mental Retardation, and Extrapyramidal Syndrome; Hypogonadism, diabetes mellitus, alopecia, mental retardation and electrocardiographic abnormalities; EXTRAPYRAMIDAL DISORDER, PROGRESSIVE, WITH PRIMARY HYPOGONADISM, MENTAL RETARDATION, AND ALOPECIA. Identifiers: Orphanet 3464, MedGen C0342286, MONDO:0009419, OMIM 241080.

Submission:

Labcorp Genetics (formerly Invitae), Labcorp
Classification: Pathogenic for Woodhouse-Sakati syndrome. Last evaluated: 2024-02-02. Review status: criteria provided, single submitter. Criteria: Invitae Variant Classification Sherloc (09022015). Collection method: clinical testing. Allele origin: germline.
Comment: This sequence change creates a premature translational stop signal (p.Asp251Argfs*23) in the DCAF17 gene. It is expected to result in an absent or disrupted protein product. Loss-of-function variants in DCAF17 are known to be pathogenic (PMID: 19026396, 20507343). This variant is not present in population databases (gnomAD no frequency). This variant has not been reported in the literature in individuals affected with DCAF17-related conditions. For these reasons, this variant has been classified as Pathogenic.

Literature cited by the submitters: PubMed 19026396; PubMed 20507343.

NM_025000.4(DCAF17):c.751_755del (p.Asp251fs)

Gene: DCAF17 (DDB1 and CUL4 associated factor 17; plus strand). Cytogenetic location: 2q31.1.
Variant type: Deletion.
Coding change: c.751_755del on transcript NM_025000.4 (MANE Select); coding-DNA positions 751 to 755, 5 bases deleted (GACTT; older notation c.751_755delGACTT).
Protein change: p.Asp251fs; shifts the reading frame from aspartic acid 251.
Molecular consequence: frameshift variant.
Genome position (GRCh38, 1-based): chr2:171,458,390-171,458,394, GACTT deleted; deleting any 5 consecutive bases within chr2:171,458,386-171,458,394 gives the same sequence; the c. name uses the placement nearest the transcript's 3' end. VCF-style (leftmost placement, unchanged base first): chr2-171458385-AACTTG-A. GRCh37 (hg19) VCF-style: chr2-172314895-AACTTG-A.
Other names: c.751_755del, p.Asp251fs (NM_001164821.2); short protein forms D251fs.
Identifiers: ClinVar variation 3711824 (VCV003711824.2).